The following is an entry in ClinVar:

NM_000520.6(HEXA):c.1518A>G (p.Glu506=)

Gene: HEXA (hexosaminidase subunit alpha; minus strand). Cytogenetic location: 15q23.
Variant type: single nucleotide variant.
Coding change: c.1518A>G on transcript NM_000520.6 (MANE Select); coding-DNA position 1518, A replaced by G.
Protein change: p.Glu506=; no amino-acid change (glutamic acid 506 retained).
Molecular consequence: synonymous variant. On other transcripts: non-coding transcript variant (1).
Genome position (GRCh38, 1-based): chr15:72,345,454, T>C on the plus strand (A>G on the coding strand, the complement: HEXA is on the minus strand). VCF-style: chr15-72345454-T-C. GRCh37 (hg19) VCF-style: chr15-72637795-T-C.
Other names: c.1551A>G, p.Glu517= (NM_001318825.2).
Identifiers: ClinVar variation 93191 (VCV000093191.56), dbSNP rs4777502, ClinGen allele CA146734.

ClinVar aggregate classification (germline): Benign/Likely benign. Review status: criteria provided, multiple submitters, no conflicts (2 of 4 stars). 16 submissions from 16 submitters: Benign (8); Likely benign (1). 7 of the submissions do not count toward it. Last evaluated 2026-02-04.

Conditions:
Tay-Sachs disease (TSD). Also called: GM2 gangliosidosis, type 1; Hexosaminidase alpha-subunit deficiency (variant B); Sphingolipidosis, Tay-Sachs; HEXA Disorders; Hexosaminidase A Deficiency; HEXA DEFICIENCY. Identifiers: Orphanet 845, MedGen C0039373, MONDO:0010100, OMIM 272800.

Allele frequency attached by ClinVar (database versions not stated): 1000 Genomes Project 30x 0.86836; ESP Exome Variant Server 0.86954; TOPMed 0.87250; 1000 Genomes Project 0.87700; gnomAD 0.87885 and 0.88736; ExAC 0.96414; gnomAD exomes 0.97052 and 0.98854.
gnomAD v4.1: 1,579,584 of 1,614,144 alleles (98%); highest among the groups gnomAD compares: East Asian, 100%; 778,550 homozygotes.

Submissions (16):

Labcorp Genetics (formerly Invitae), Labcorp
Classification: Benign for Tay-Sachs disease. Last evaluated: 2026-02-04. Review status: criteria provided, single submitter. Criteria: Invitae Variant Classification Sherloc (09022015). Collection method: clinical testing. Allele origin: germline.

ARUP Laboratories, Molecular Genetics and Genomics, ARUP Laboratories
Classification: Benign. Last evaluated: 2025-07-30. Review status: criteria provided, single submitter. Criteria: ARUP Molecular Germline Variant Investigation Process 2024. Collection method: clinical testing. Allele origin: germline.

Blueprint Genetics
Classification: Likely benign. Last evaluated: 2024-11-27. Review status: criteria provided, single submitter. Criteria: ACMG Guidelines, 2015. Collection method: clinical testing. Allele origin: germline.

Genome-Nilou Lab
Classification: Benign for Tay-Sachs disease. Last evaluated: 2021-06-10. Review status: criteria provided, single submitter. Criteria: ACMG Guidelines, 2015. Collection method: clinical testing. Allele origin: germline. Affected: no.

Quest Diagnostics Nichols Institute San Juan Capistrano
Classification: Benign. Last evaluated: 2018-03-05. Review status: criteria provided, single submitter. Criteria: Quest Diagnostics criteria. Collection method: clinical testing. Allele origin: germline.

Eurofins Ntd Llc (ga)
Classification: Benign. Last evaluated: 2015-06-18. Review status: criteria provided, single submitter. Criteria: EGL Classification Definitions 2015. Collection method: clinical testing. Allele origin: germline. Observed: 80 variant alleles, 3 heterozygotes, 77 homozygotes.

GeneDx
Classification: Benign. Last evaluated: 2015-03-03. Review status: criteria provided, single submitter. Criteria: GeneDx Variant Classification Process June 2021. Collection method: clinical testing. Allele origin: germline. Affected: yes.

Breakthrough Genomics
Classification: Benign. Review status: criteria provided, single submitter. Criteria: ACMG Guidelines, 2015. Collection method: not provided. Allele origin: germline. Inheritance: Autosomal recessive inheritance. Affected: yes.

PreventionGenetics, part of Exact Sciences
Classification: Benign. Review status: criteria provided, single submitter. Criteria: ACMG Guidelines, 2015. Collection method: clinical testing. Allele origin: germline.

Mayo Clinic Laboratories, Mayo Clinic
Classification: Benign. Last evaluated: 2017-05-18. Review status: no assertion criteria provided. Collection method: clinical testing. Allele origin: unknown. Not counted in ClinVar's aggregate classification.

Natera, Inc.
Classification: Benign for Tay-Sachs disease. Last evaluated: 2017-03-29. Review status: no assertion criteria provided. Collection method: clinical testing. Allele origin: germline. Not counted in ClinVar's aggregate classification.

Clinical Genetics DNA and cytogenetics Diagnostics Lab, Erasmus MC, Erasmus Medical Center
Classification: Benign. Review status: no assertion criteria provided. Collection method: clinical testing. Allele origin: germline. Affected: yes. Study: VKGL Data-share Consensus. Not counted in ClinVar's aggregate classification.

Clinical Genetics, Academic Medical Center
Classification: Benign. Review status: no assertion criteria provided. Collection method: clinical testing. Allele origin: germline. Affected: yes. Study: VKGL Data-share Consensus. Not counted in ClinVar's aggregate classification.

Diagnostic Laboratory, Department of Genetics, University Medical Center Groningen
Classification: Benign for Tay-Sachs disease. Review status: no assertion criteria provided. Collection method: clinical testing. Allele origin: germline. Affected: yes. Study: VKGL Data-share Consensus. Not counted in ClinVar's aggregate classification.

Genetic Services Laboratory, University of Chicago
Classification: Likely benign for AllHighlyPenetrant. Review status: no assertion criteria provided. Collection method: clinical testing. Allele origin: germline. Inheritance: Autosomal recessive inheritance. Not counted in ClinVar's aggregate classification.
Comment: Likely benign based on allele frequency in 1000 Genomes Project or ESP global frequency and its presence in a patient with a rare or unrelated disease phenotype. NOT Sanger confirmed.

Joint Genome Diagnostic Labs from Nijmegen and Maastricht, Radboudumc and MUMC+
Classification: Benign. Review status: no assertion criteria provided. Collection method: clinical testing. Allele origin: germline. Affected: yes. Study: VKGL Data-share Consensus. Not counted in ClinVar's aggregate classification.